The following is an entry in ClinVar:

NM_001005242.3(PKP2):c.1920G>T (p.Arg640Ser)

Gene: PKP2 (plakophilin 2; minus strand). Cytogenetic location: 12p11.21.
Variant type: single nucleotide variant.
Coding change: c.1920G>T on transcript NM_001005242.3 (MANE Select); coding-DNA position 1920, G replaced by T.
Protein change: p.Arg640Ser; replaces arginine 640 with serine.
Molecular consequence: missense variant.
Genome position (GRCh38, 1-based): chr12:32,821,449, C>A on the plus strand (G>T on the coding strand, the complement: PKP2 is on the minus strand). VCF-style: chr12-32821449-C-A. GRCh37 (hg19) VCF-style: chr12-32974383-C-A.
Other names: c.2052G>T, p.Arg684Ser (NM_004572.4); short protein forms R640S, R684S.
Identifiers: ClinVar variation 848567 (VCV000848567.25), dbSNP rs760660042, ClinGen allele CA384361836.

ClinVar aggregate classification (germline): Uncertain significance. Review status: criteria provided, multiple submitters, no conflicts (2 of 4 stars). 6 submissions from 6 submitters: Uncertain significance (6). Last evaluated 2025-06-01.

Conditions:
Arrhythmogenic right ventricular cardiomyopathy (ARVD). Also called: Cardiomyopathy, ARVC; Arrhythmogenic right ventricular dysplasia; Arrhythmogenic cardiomyopathy; Arrhythmogenic Right Ventricular Cardiomyopathy (ARVC). Identifiers: Orphanet 247, MedGen C0349788, MeSH D019571, MONDO:0016587. Disease mechanism: loss of function. Inheritance: Various modes of inheritance.
Cardiomyopathy (CMYO). Also called: Cardiomyopathies. Identifiers: Orphanet 167848, MedGen C0878544, MONDO:0004994, HP:0001638. Inheritance: Various modes of inheritance.
Arrhythmogenic right ventricular dysplasia 9 (ARVD9). Also called: ARRHYTHMOGENIC RIGHT VENTRICULAR DYSPLASIA, FAMILIAL, 9; Arrhythmogenic Right Ventricular Dysplasia/Cardiomyopathy 9. Identifiers: MedGen C1836906, MONDO:0012180, OMIM 609040.
Cardiovascular phenotype. Identifiers: MedGen CN230736.

Allele frequency attached by ClinVar (database versions not stated): TOPMed below 0.00001; gnomAD 0.00001.
gnomAD v4.1: 3 of 1,613,924 alleles (0.00019%); highest among the groups gnomAD compares: Non-Finnish European, 0.00025%; no homozygotes.

Submissions (6):

CeGaT Center for Human Genetics Tuebingen
Classification: Uncertain significance. Last evaluated: 2025-06-01. Review status: criteria provided, single submitter. Criteria: CeGaT Center For Human Genetics Tuebingen Variant Classification Criteria Version 2. Collection method: clinical testing. Allele origin: germline. Affected: yes. Observed: 1 variant allele.
Comment: PKP2: PM2

Ambry Genetics
Classification: Uncertain significance for Cardiovascular phenotype. Last evaluated: 2024-10-22. Review status: criteria provided, single submitter. Criteria: Ambry Variant Classification Scheme 2023. Collection method: clinical testing. Allele origin: germline.
Comment: The p.R684S variant (also known as c.2052G>T), located in coding exon 10 of the PKP2 gene, results from a G to T substitution at nucleotide position 2052. The arginine at codon 684 is replaced by serine, an amino acid with dissimilar properties. This amino acid position is conserved. In addition, this alteration is predicted to be deleterious by in silico analysis. Based on the available evidence, the clinical significance of this variant remains unclear.

All of Us Research Program, National Institutes of Health
Classification: Uncertain significance for Arrhythmogenic right ventricular cardiomyopathy. Last evaluated: 2024-08-29. Review status: criteria provided, single submitter. Criteria: ACMG Guidelines, 2015. Collection method: clinical testing. Allele origin: germline. Inheritance: Autosomal dominant inheritance. Observed: 1 variant allele, 1 heterozygote.
Comment: This missense variant replaces arginine with serine at codon 684 of the PKP2 protein. Computational prediction tool suggests that this variant may have deleterious impact on protein structure and function (internally defined REVEL score threshold >=0.7, PMID: 27666373). Splice site prediction tools suggest that this variant may not impact RNA splicing. To our knowledge, functional studies have not been performed for this variant. This variant has not been reported in individuals affected with cardiovascular disorders in the literature. This variant has been identified in 1/31386 chromosomes in the general population by the Genome Aggregation Database (gnomAD). The available evidence is insufficient to determine the role of this variant in disease conclusively. Therefore, this variant is classified as a Variant of Uncertain Significance.

This study involves interpretation of variants in research participants for the purpose of population health screening. Participant phenotype was not available at the time of variant classification. Additional details can be found in publication PMID: 35346344, PMCID: PMC8962531

Color Diagnostics, LLC DBA Color Health
Classification: Uncertain significance for Cardiomyopathy. Last evaluated: 2024-03-06. Review status: criteria provided, single submitter. Criteria: ACMG Guidelines, 2015. Collection method: clinical testing. Allele origin: germline.
Comment: This missense variant replaces arginine with serine at codon 684 of the PKP2 protein. Computational prediction suggests that this variant may have deleterious impact on protein structure and function (internally defined REVEL score threshold >= 0.7, PMID: 27666373). To our knowledge, functional studies have not been reported for this variant. This variant has not been reported in individuals affected with PKP2-related disorders in the literature. This variant has been identified in 1/31386 chromosomes in the general population by the Genome Aggregation Database (gnomAD). The available evidence is insufficient to determine the role of this variant in disease conclusively. Therefore, this variant is classified as a Variant of Uncertain Significance.

Blueprint Genetics
Classification: Uncertain significance. Last evaluated: 2023-12-05. Review status: criteria provided, single submitter. Criteria: ACMG Guidelines, 2015. Collection method: clinical testing. Allele origin: germline.

Labcorp Genetics (formerly Invitae), Labcorp
Classification: Uncertain significance for Arrhythmogenic right ventricular dysplasia 9. Last evaluated: 2023-11-09. Review status: criteria provided, single submitter. Criteria: Invitae Variant Classification Sherloc (09022015). Collection method: clinical testing. Allele origin: germline.
Comment: This sequence change replaces arginine, which is basic and polar, with serine, which is neutral and polar, at codon 684 of the PKP2 protein (p.Arg684Ser). This variant is present in population databases (no rsID available, gnomAD 0.007%). This variant has not been reported in the literature in individuals affected with PKP2-related conditions. ClinVar contains an entry for this variant (Variation ID: 848567). An algorithm developed to predict the effect of missense changes on protein structure and function (PolyPhen-2) suggests that this variant is likely to be disruptive. In summary, the available evidence is currently insufficient to determine the role of this variant in disease. Therefore, it has been classified as a Variant of Uncertain Significance.